The following is an entry in ClinVar:

ClinVar aggregate classification (germline): Uncertain significance (1 of 4 stars; one submission).

Conditions:
Werner syndrome (WRN). Identifiers: Orphanet 902, MedGen C0043119, MONDO:0010196, OMIM 277700.

Submission:

Labcorp Genetics (formerly Invitae), Labcorp
Classification: Uncertain significance for Werner syndrome. Last evaluated: 2021-03-29. Review status: criteria provided, single submitter. Criteria: Invitae Variant Classification Sherloc (09022015). Collection method: clinical testing. Allele origin: germline.
Comment: This sequence change replaces glutamine with lysine at codon 553 of the WRN protein (p.Gln553Lys). The glutamine residue is highly conserved and there is a small physicochemical difference between glutamine and lysine. This variant is not present in population databases (ExAC no frequency). This variant has not been reported in the literature in individuals with WRN-related conditions. Algorithms developed to predict the effect of missense changes on protein structure and function are either unavailable or do not agree on the potential impact of this missense change (SIFT: "Not Available"; PolyPhen-2: "Probably Damaging"; Align-GVGD: "Not Available"). In summary, the available evidence is currently insufficient to determine the role of this variant in disease. Therefore, it has been classified as a Variant of Uncertain Significance.

NM_000553.6(WRN):c.1657C>A (p.Gln553Lys)

Gene: WRN (WRN RecQ like helicase; plus strand). Cytogenetic location: 8p12.
Variant type: single nucleotide variant.
Coding change: c.1657C>A on transcript NM_000553.6 (MANE Select); coding-DNA position 1657, C replaced by A.
Protein change: p.Gln553Lys; replaces glutamine 553 with lysine.
Molecular consequence: missense variant.
Genome position (GRCh38, 1-based): chr8:31,090,469, C>A. VCF-style: chr8-31090469-C-A. GRCh37 (hg19) VCF-style: chr8-30947985-C-A.
Other names: short protein forms Q553K.
Identifiers: ClinVar variation 1521321 (VCV001521321.6), dbSNP rs2130170949, ClinGen allele CA370926742.